The following is an entry in ClinVar:

ClinVar aggregate classification (germline): Uncertain significance (1 of 4 stars; one submission).

Conditions:
Inborn genetic diseases. Identifiers: MedGen C0950123, MeSH D030342.

gnomAD v4.1: 3 of 1,601,354 alleles (0.00019%); highest among the groups gnomAD compares: Non-Finnish European, 0.00026%; no homozygotes.

Submission:

Ambry Genetics
Classification: Uncertain significance for Inborn genetic diseases. Last evaluated: 2023-01-31. Review status: criteria provided, single submitter. Criteria: Ambry Variant Classification Scheme 2023. Collection method: clinical testing. Allele origin: germline.
Comment: The c.2052G>T (p.L684F) alteration is located in exon 21 (coding exon 21) of the NCKAP1 gene. This alteration results from a G to T substitution at nucleotide position 2052, causing the leucine (L) at amino acid position 684 to be replaced by a phenylalanine (F). This allele was reported in one heterozygous individual in population-based cohorts in the Genome Aggregation Database (gnomAD). This amino acid position is highly conserved in available vertebrate species. This missense alteration is located in a region that has a low rate of benign missense variation (Lek, 2016; Firth, 2009). This alteration is predicted to be tolerated by in silico analysis. Based on insufficient or conflicting evidence, the clinical significance of this alteration remains unclear.

NM_013436.5(NCKAP1):c.2034G>T (p.Leu678Phe)

Gene: NCKAP1 (NCK associated protein 1; minus strand). Cytogenetic location: 2q32.1.
Variant type: single nucleotide variant.
Coding change: c.2034G>T on transcript NM_013436.5 (MANE Select); coding-DNA position 2034, G replaced by T.
Protein change: p.Leu678Phe; replaces leucine 678 with phenylalanine.
Molecular consequence: missense variant.
Genome position (GRCh38, 1-based): chr2:182,956,581, C>A on the plus strand (G>T on the coding strand, the complement: NCKAP1 is on the minus strand). VCF-style: chr2-182956581-C-A. GRCh37 (hg19) VCF-style: chr2-183821309-C-A.
Other names: c.2052G>T, p.Leu684Phe (NM_205842.3); short protein forms L678F, L684F.
Identifiers: ClinVar variation 2339012 (VCV002339012.3), dbSNP rs200328412, ClinGen allele CA349758480.
Genomic context (GRCh38, chr2:182,956,581, plus strand): 5'-CCATACCACCATGTTTGGTACATAATTTATAGAGAAGCATAACTCAGAAAGTGCAGTGTG[C>A]AATTTATCAAGGCTGAAAAAAATTAATAAACAGTTAAAATGTTCACATGTCATCACAGGC-3'
Protein context (NP_038464.1, residues 668-688): NRLVVTNLDK[Leu678Phe]HTALSELCFS